The following is an entry in ClinVar:

ClinVar aggregate classification (germline): Uncertain significance (1 of 4 stars; one submission).

Submission:

Labcorp Genetics (formerly Invitae), Labcorp
Classification: Uncertain significance. Last evaluated: 2022-05-18. Review status: criteria provided, single submitter. Criteria: Invitae Variant Classification Sherloc (09022015). Collection method: clinical testing. Allele origin: germline.
Comment: This variant has not been reported in the literature in individuals affected with SLC12A6-related conditions. This variant is not present in population databases (gnomAD no frequency). Algorithms developed to predict the effect of missense changes on protein structure and function are either unavailable or do not agree on the potential impact of this missense change (SIFT: "Deleterious"; PolyPhen-2: "Probably Damaging"; Align-GVGD: "Class C0"). In summary, the available evidence is currently insufficient to determine the role of this variant in disease. Therefore, it has been classified as a Variant of Uncertain Significance. This sequence change replaces aspartic acid, which is acidic and polar, with histidine, which is basic and polar, at codon 1020 of the SLC12A6 protein (p.Asp1020His).

NM_001365088.1(SLC12A6):c.3058G>C (p.Asp1020His)

Gene: SLC12A6 (solute carrier family 12 member 6; minus strand). Cytogenetic location: 15q14.
Variant type: single nucleotide variant.
Coding change: c.3058G>C on transcript NM_001365088.1 (MANE Select); coding-DNA position 3058, G replaced by C.
Protein change: p.Asp1020His; replaces aspartic acid 1020 with histidine.
Molecular consequence: missense variant.
Genome position (GRCh38, 1-based): chr15:34,236,184, C>G on the plus strand (G>C on the coding strand, the complement: SLC12A6 is on the minus strand). VCF-style: chr15-34236184-C-G. GRCh37 (hg19) VCF-style: chr15-34528385-C-G.
Other names: c.2881G>C, p.Asp961His (NM_001042494.2, NM_001042495.2); c.3031G>C, p.Asp1011His (NM_001042496.2); c.3013G>C, p.Asp1005His (NM_001042497.2); c.2905G>C, p.Asp969His (NM_005135.2); c.3058G>C, p.Asp1020His (NM_133647.2); short protein forms D969H, D1020H, D961H, D1005H, D1011H.
Identifiers: ClinVar variation 1994552 (VCV001994552.4), dbSNP rs2509743599, ClinGen allele CA391617810.
Genomic context (GRCh38, chr15:34,236,184, plus strand): 5'-TTTCTGTCTCTTCGTCCTCATCAGAGCCAATGCTGGTCAATCGTAGCATTGAGTTTCGGT[C>G]TTTCACCAATTGTGCCTGAGGAAGAAGGTCCAACACAAGTTATTCTACCAAATTTTCTCT-3'
Protein context (NP_001352017.1, residues 1010-1030): ERDREAQLVK[Asp1020His]RNSMLRLTSI